The following is an entry in ClinVar:

NM_001267550.2(TTN):c.101209C>T (p.Leu33737Phe)

Genes: TTN-AS1 (TTN antisense RNA 1; plus strand), TTN (titin; minus strand). Cytogenetic location: 2q31.2.
Variant type: single nucleotide variant.
Coding change: c.101209C>T on transcript NM_001267550.2 (MANE Select); coding-DNA position 101209, C replaced by T.
Protein change: p.Leu33737Phe; replaces leucine 33737 with phenylalanine.
Molecular consequence: missense variant.
Genome position (GRCh38, 1-based): chr2:178,535,406, G>A on the plus strand (C>T on the coding strand, the complement: TTN is on the minus strand). VCF-style: chr2-178535406-G-A. GRCh37 (hg19) VCF-style: chr2-179400133-G-A.
Other names: c.96286C>T, p.Leu32096Phe (NM_001256850.1); c.74014C>T, p.Leu24672Phe (NM_003319.4); c.93505C>T, p.Leu31169Phe (NM_133378.4); c.74389C>T, p.Leu24797Phe (NM_133432.3); c.74590C>T, p.Leu24864Phe (NM_133437.4); short protein forms L24672F, L24797F, L24864F, L31169F, L32096F, L33737F.
Identifiers: ClinVar variation 3758471 (VCV003758471.2).

ClinVar aggregate classification (germline): Uncertain significance (1 of 4 stars; one submission).

Conditions:
Dilated cardiomyopathy 1G (CMD1G). Identifiers: Orphanet 154, MedGen C1858763, MONDO:0011400, OMIM 604145.
Autosomal recessive limb-girdle muscular dystrophy type 2J (LGMDR10). Also called: Limb-girdle muscular dystrophy, type 2J; MUSCULAR DYSTROPHY, LIMB-GIRDLE, AUTOSOMAL RECESSIVE 10. Identifiers: Orphanet 140922, MedGen C1837342, MONDO:0012127, OMIM 608807.

gnomAD v4.1: 1 of 1,613,854 alleles (0.000062%); highest among the groups gnomAD compares: Non-Finnish European, 0.000085%; no homozygotes.

Submission:

Labcorp Genetics (formerly Invitae), Labcorp
Classification: Uncertain significance for Dilated cardiomyopathy 1G; Autosomal recessive limb-girdle muscular dystrophy type 2J. Last evaluated: 2024-06-12. Review status: criteria provided, single submitter. Criteria: Invitae Variant Classification Sherloc (09022015). Collection method: clinical testing. Allele origin: germline.
Comment: This sequence change replaces leucine, which is neutral and non-polar, with phenylalanine, which is neutral and non-polar, at codon 33737 of the TTN protein (p.Leu33737Phe). This variant is not present in population databases (gnomAD no frequency). This variant has not been reported in the literature in individuals affected with TTN-related conditions. Experimental studies and prediction algorithms are not available or were not evaluated, and the functional significance of this variant is currently unknown. This variant is located in the M band of TTN (PMID: 25589632). Non-truncating variants in this region may be relevant for neuromuscular disorders, but have not been definitively shown to cause cardiomyopathy (PMID: 23975875). In summary, the available evidence is currently insufficient to determine the role of this variant in disease. Therefore, it has been classified as a Variant of Uncertain Significance.

Literature cited by the submitters: PubMed 25589632; PubMed 23975875.